The following is an entry in ClinVar:

ClinVar aggregate classification (germline): Likely benign (0 of 4 stars; one submission).

Conditions:
DDX54-related disorder. Also called: DDX54-related condition.

Allele frequency attached by ClinVar (database versions not stated): ExAC 0.00040; gnomAD 0.00097; ESP Exome Variant Server 0.00108; TOPMed 0.00110; 1000 Genomes Project 30x 0.00125; 1000 Genomes Project 0.00140.
gnomAD v4.1: 336 of 1,611,642 alleles (0.021%); highest among the groups gnomAD compares: African/African-American, 0.33%; no homozygotes.

Submission:

PreventionGenetics, part of Exact Sciences
Classification: Likely benign for DDX54-related condition. Last evaluated: 2022-07-08. Review status: no assertion criteria provided. Collection method: clinical testing. Allele origin: germline.
Comment: This variant is classified as likely benign based on ACMG/AMP sequence variant interpretation guidelines (Richards et al. 2015 PMID: 25741868, with internal and published modifications).

NM_024072.4(DDX54):c.2570G>A (p.Arg857His)

Genes: CFAP73 (cilia and flagella associated protein 73; plus strand), DDX54 (DEAD-box helicase 54; minus strand). Cytogenetic location: 12q24.13.
Variant type: single nucleotide variant.
Coding change: c.2570G>A on transcript NM_024072.4 (MANE Select); coding-DNA position 2570, G replaced by A.
Protein change: p.Arg857His; replaces arginine 857 with histidine.
Molecular consequence: missense variant. On other transcripts: 3 prime UTR variant (1).
Genome position (GRCh38, 1-based): chr12:113,158,953, C>T on the plus strand (G>A on the coding strand, the complement: DDX54 is on the minus strand). VCF-style: chr12-113158953-C-T. GRCh37 (hg19) VCF-style: chr12-113596758-C-T.
Other names: c.*264C>T (NM_001144872.3); c.2573G>A, p.Arg858His (NM_001111322.2); short protein forms R857H, R858H.
Identifiers: ClinVar variation 3040986 (VCV003040986.2), dbSNP rs151166999, ClinGen allele CA6803213.